The following is an entry in ClinVar:

ClinVar aggregate classification (germline): Conflicting classifications of pathogenicity. Review status: criteria provided, conflicting classifications (1 of 4 stars). 7 submissions from 7 submitters: Uncertain significance (5); Likely benign (2). Last evaluated 2026-09-15.

Conditions:
MYBPC3-related disorder. Also called: MYBPC3-related disorders; MYBPC3-related condition; MYBPC3-related disease.
Cardiovascular phenotype. Identifiers: MedGen CN230736.
Cardiomyopathy (CMYO). Also called: Cardiomyopathies. Identifiers: Orphanet 167848, MedGen C0878544, MONDO:0004994, HP:0001638. Inheritance: Various modes of inheritance.
Hypertrophic cardiomyopathy. Also called: HYPERTROPHIC MYOCARDIOPATHY. Identifiers: Orphanet 217569, MedGen C0007194, MeSH D002312, MONDO:0005045, HP:0001639.

Allele frequency attached by ClinVar (database versions not stated): gnomAD exomes 0.00001 and 0.00002; gnomAD 0.00004; TOPMed 0.00006; ExAC 0.00008; ESP Exome Variant Server 0.00008.
gnomAD v4.1: 17 of 1,571,812 alleles (0.0011%); highest among the groups gnomAD compares: African/African-American, 0.019%; no homozygotes.

Submissions (7):

PreventionGenetics, part of Exact Sciences
Classification: Uncertain significance for MYBPC3-related condition. Last evaluated: 2026-09-15. Review status: criteria provided, single submitter. Criteria: ACMG Guidelines, 2015. Collection method: clinical testing. Allele origin: germline.
Comment: The MYBPC3 c.799C>G variant is predicted to result in the amino acid substitution p.Leu267Val. This variant has been reported as uncertain in an individual with hypertrophic cardiomyopathy (Table S1A, Walsh et al. 2017. PubMed ID: 27532257). This variant was also observed in a large cohort of individuals from a study evaluating the penetrance of rare variants in cardiomyopathy-associated genes (Table S8, McGurk et al. 2023. PubMed ID: 37652022). This variant is reported in 0.021% of alleles in individuals of African descent in gnomAD. At this time, the clinical significance of this variant is uncertain due to the absence of conclusive functional and genetic evidence.

Labcorp Genetics (formerly Invitae), Labcorp
Classification: Uncertain significance for Hypertrophic cardiomyopathy. Last evaluated: 2025-12-15. Review status: criteria provided, single submitter. Criteria: Invitae Variant Classification Sherloc (09022015). Collection method: clinical testing. Allele origin: germline.
Comment: This sequence change replaces leucine, which is neutral and non-polar, with valine, which is neutral and non-polar, at codon 267 of the MYBPC3 protein (p.Leu267Val). This variant is present in population databases (rs370941975, gnomAD 0.02%). This missense change has been observed in individual(s) with hypertrophic cardiomyopathy (PMID: 27532257, 37652022). ClinVar contains an entry for this variant (Variation ID: 380700). An algorithm developed to predict the effect of missense changes on protein structure and function (PolyPhen-2) suggests that this variant is likely to be tolerated. In summary, the available evidence is currently insufficient to determine the role of this variant in disease. Therefore, it has been classified as a Variant of Uncertain Significance.

Ambry Genetics
Classification: Likely benign for Cardiovascular phenotype. Last evaluated: 2023-11-29. Review status: criteria provided, single submitter. Criteria: Ambry Variant Classification Scheme 2023. Collection method: clinical testing. Allele origin: germline.

All of Us Research Program, National Institutes of Health
Classification: Uncertain significance for Hypertrophic cardiomyopathy. Last evaluated: 2023-08-15. Review status: criteria provided, single submitter. Criteria: ACMG Guidelines, 2015. Collection method: clinical testing. Allele origin: germline. Inheritance: Autosomal dominant inheritance. Observed: 2 variant alleles, 2 heterozygotes.
Comment: This missense variant replaces leucine with valine at codon 267 of the MYBPC3 protein. Computational prediction suggests that this variant may not impact protein structure and function (internally defined REVEL score threshold <= 0.5, PMID: 27666373). To our knowledge, functional studies have not been reported for this variant. This variant has been reported in at least 1 individual affected with hypertrophic cardiomyopathy (PMID: 27532257). This variant has been identified in 4/213764 chromosomes in the general population by the Genome Aggregation Database (gnomAD). The available evidence is insufficient to determine the role of this variant in disease conclusively. Therefore, this variant is classified as a Variant of Uncertain Significance.

This study involves interpretation of variants in research participants for the purpose of population health screening. Participant phenotype was not available at the time of variant classification. Additional details can be found in publication PMID: 35346344, PMCID: PMC8962531

Color Diagnostics, LLC DBA Color Health
Classification: Uncertain significance for Cardiomyopathy. Last evaluated: 2023-03-09. Review status: criteria provided, single submitter. Criteria: ACMG Guidelines, 2015. Collection method: clinical testing. Allele origin: germline.
Comment: This missense variant replaces leucine with valine at codon 267 of the MYBPC3 protein. Computational prediction suggests that this variant may not impact protein structure and function (internally defined REVEL score threshold <= 0.5, PMID: 27666373). To our knowledge, functional studies have not been reported for this variant. This variant has been reported in an individual affected with hypertrophic cardiomyopathy (PMID: 27532257). This variant has been identified in 4/213764 chromosomes in the general population by the Genome Aggregation Database (gnomAD). The available evidence is insufficient to determine the role of this variant in disease conclusively. Therefore, this variant is classified as a Variant of Uncertain Significance.

Mayo Clinic Laboratories, Mayo Clinic
Classification: Uncertain significance. Last evaluated: 2021-02-18. Review status: criteria provided, single submitter. Criteria: ACMG Guidelines, 2015. Collection method: clinical testing. Allele origin: germline. Observed: 1 variant allele.

GeneDx
Classification: Likely benign. Last evaluated: 2015-09-18. Review status: criteria provided, single submitter. Criteria: GeneDx Variant Classification (06012015). Collection method: clinical testing. Allele origin: germline. Affected: yes.
Comment: This variant is considered likely benign or benign based on one or more of the following criteria: it is a conservative change, it occurs at a poorly conserved position in the protein, it is predicted to be benign by multiple in silico algorithms, and/or has population frequency not consistent with disease.

Literature cited by the submitters: PubMed 27532257 (cited by 4 submitters); PubMed 37652022 (cited by Labcorp Genetics (formerly Invitae), Labcorp).

NM_000256.3(MYBPC3):c.799C>G (p.Leu267Val)

Gene: MYBPC3 (myosin binding protein C3; minus strand). Cytogenetic location: 11p11.2.
Variant type: single nucleotide variant.
Coding change: c.799C>G on transcript NM_000256.3 (MANE Select); coding-DNA position 799, C replaced by G.
Protein change: p.Leu267Val; replaces leucine 267 with valine.
Molecular consequence: missense variant.
Genome position (GRCh38, 1-based): chr11:47,347,879, G>C on the plus strand (C>G on the coding strand, the complement: MYBPC3 is on the minus strand). VCF-style: chr11-47347879-G-C. GRCh37 (hg19) VCF-style: chr11-47369430-G-C.
Other names: c.799C>G, p.Leu267Val (LRG_386t1); short protein forms L267V.
Identifiers: ClinVar variation 380700 (VCV000380700.22), dbSNP rs370941975, ClinGen allele CA056871.